The following is an entry in ClinVar:

ClinVar aggregate classification (germline): Conflicting classifications of pathogenicity. Review status: criteria provided, conflicting classifications (1 of 4 stars). 5 submissions from 5 submitters: Uncertain significance (4); Likely benign (1). Last evaluated 2026-08-12.

Conditions:
Inborn genetic diseases. Identifiers: MedGen C0950123, MeSH D030342.
Developmental and epileptic encephalopathy, 42 (DEE42A). Also called: DEVELOPMENTAL AND EPILEPTIC ENCEPHALOPATHY 42A; EPILEPTIC ENCEPHALOPATHY, EARLY INFANTILE, 42A; Epileptic encephalopathy, early infantile, 42. Identifiers: MedGen C4310716, MONDO:0014917, OMIM 617106.
Episodic ataxia type 2 (EA2). Also called: ATAXIA, EPISODIC, WITH NYSTAGMUS; ATAXIA, FAMILIAL PAROXYSMAL; CEREBELLAR ATAXIA, PAROXYSMAL, ACETAZOLAMIDE-RESPONSIVE; CEREBELLOPATHY, HEREDITARY PAROXYSMAL; ACETAZOLAMIDE-RESPONSIVE HEREDITARY PAROXYSMAL CEREBELLAR ATAXIA; EPISODIC ATAXIA, NYSTAGMUS-ASSOCIATED. Identifiers: Orphanet 97, MedGen C1720416, MONDO:0007163, OMIM 108500.

Allele frequency attached by ClinVar (database versions not stated): ExAC below 0.00001; gnomAD exomes 0.00002 and 0.00004; gnomAD 0.00008 and 0.00009; TOPMed 0.00011.
gnomAD v4.1: 42 of 1,537,422 alleles (0.0027%); highest among the groups gnomAD compares: African/African-American, 0.021%; no homozygotes.

Submissions (5):

GeneDx
Classification: Uncertain significance. Last evaluated: 2026-08-12. Review status: criteria provided, single submitter. Criteria: GeneDx Variant Classification Process June 2021. Collection method: clinical testing. Allele origin: germline.
Comment: In silico analysis supports that this missense variant has a deleterious effect on protein structure/function; Has not been previously published as pathogenic or benign to our knowledge

Labcorp Genetics (formerly Invitae), Labcorp
Classification: Likely benign for Developmental and epileptic encephalopathy, 42; Episodic ataxia type 2. Last evaluated: 2025-10-23. Review status: criteria provided, single submitter. Criteria: Invitae Variant Classification Sherloc (09022015). Collection method: clinical testing. Allele origin: germline.

Ambry Genetics
Classification: Uncertain significance for Inborn genetic diseases. Last evaluated: 2025-04-09. Review status: criteria provided, single submitter. Criteria: Ambry Variant Classification Scheme 2023. Collection method: clinical testing. Allele origin: germline.

CeGaT Center for Human Genetics Tuebingen
Classification: Uncertain significance. Last evaluated: 2023-10-01. Review status: criteria provided, single submitter. Criteria: CeGaT Center For Human Genetics Tuebingen Variant Classification Criteria Version 2. Collection method: clinical testing. Allele origin: germline. Affected: yes. Observed: 1 variant allele.
Comment: CACNA1A: PP3

Eurofins Ntd Llc (ga)
Classification: Uncertain significance. Last evaluated: 2017-01-26. Review status: criteria provided, single submitter. Criteria: EGL Classification Definitions 2015. Collection method: clinical testing. Allele origin: germline. Observed: 1 variant allele, 1 heterozygote.

NM_001127222.2(CACNA1A):c.6694C>T (p.Arg2232Trp)

Gene: CACNA1A (calcium voltage-gated channel subunit alpha1 A; minus strand). Cytogenetic location: 19p13.13.
Variant type: single nucleotide variant.
Coding change: c.6694C>T on transcript NM_001127222.2 (MANE Select); coding-DNA position 6694, C replaced by T.
Protein change: p.Arg2232Trp; replaces arginine 2232 with tryptophan.
Molecular consequence: missense variant.
Genome position (GRCh38, 1-based): chr19:13,208,842, G>A on the plus strand (C>T on the coding strand, the complement: CACNA1A is on the minus strand). VCF-style: chr19-13208842-G-A. GRCh37 (hg19) VCF-style: chr19-13319656-G-A.
Other names: c.6712C>T, p.Arg2238Trp (NM_000068.4, NM_023035.3); c.6697C>T, p.Arg2233Trp (NM_001127221.2); c.6703C>T, p.Arg2235Trp (NM_001174080.2); short protein forms R2233W, R2238W, R2235W, R2232W.
Identifiers: ClinVar variation 422068 (VCV000422068.44), dbSNP rs751926317, ClinGen allele CA9239290.